The following is an entry in ClinVar:

ClinVar aggregate classification (germline): Pathogenic. Review status: criteria provided, multiple submitters, no conflicts (2 of 4 stars). 3 submissions from 3 submitters: Pathogenic (3). Last evaluated 2026-09-01.

Conditions:
Polycystic kidney disease, adult type (PKD1). Also called: POLYCYSTIC KIDNEY DISEASE, ADULT, TYPE I; Polycystic Kidney, Autosomal Dominant; POLYCYSTIC KIDNEY DISEASE 1 WITH OR WITHOUT POLYCYSTIC LIVER DISEASE; Polycystic Kidney Disease 1, Autosomal Dominant; Polycystic kidney disease 1; Polycystic kidney disease 1, severe. Identifiers: MedGen C3149841, MONDO:0008263, OMIM 173900.

Submissions (3):

CeGaT Center for Human Genetics Tuebingen
Classification: Pathogenic. Last evaluated: 2026-09-01. Review status: criteria provided, single submitter. Criteria: CeGaT Center For Human Genetics Tuebingen Variant Classification Criteria Version 2. Collection method: clinical testing. Allele origin: germline. Affected: yes. Observed: 1 variant allele.
Comment: PKD1: PVS1, PM2, PS4:Moderate

Victorian Clinical Genetics Services, Murdoch Childrens Research Institute
Classification: Pathogenic for Polycystic kidney disease, adult type. Last evaluated: 2023-07-17. Review status: criteria provided, single submitter. Criteria: ACMG Guidelines, 2015. Collection method: clinical testing. Allele origin: germline. Inheritance: Autosomal dominant inheritance. Affected: yes.
Comment: Based on the classification scheme VCGS_Germline_v1.3.4, this variant is classified as Pathogenic. Following criteria are met: 0102 - Loss of function is a known mechanism of disease in this gene and is associated with polycystic kidney disease 1 (MIM#173900). (I) 0107 - This gene is associated with autosomal dominant disease. Polycystic kidney disease 1 (MIM#173900) is predominantly caused by monoallelic variants, with rare reports of biallelic variants causing disease (OMIM). (I) 0201 - Variant is predicted to cause nonsense-mediated decay (NMD) and loss of protein (premature termination codon is located at least 54 nucleotides upstream of the final exon-exon junction). (SP) 0251 - This variant is heterozygous. (I) 0301 - Variant is absent from gnomAD (both v2 and v3). (SP) 0701 - Other NMD predicted variants comparable to the one identified in this case have very strong previous evidence for pathogenicity (DECIPHER). (SP) 0802 - This variant has moderate previous evidence of pathogenicity in unrelated individuals. This variant has been classified as pathogenic by a clinical laboratory in ClinVar, and has been observed in two families with ADPKD (PMIDs: 24611717, 35707595). (SP) 1007 - No published functional evidence has been identified for this variant. (I) 1208 - Inheritance information for this variant is not currently available in this individual. (I) Legend: (SP) - Supporting pathogenic, (I) - Information, (SB) - Supporting benign

ARUP Laboratories, Molecular Genetics and Genomics, ARUP Laboratories
Classification: Pathogenic. Last evaluated: 2016-12-19. Review status: criteria provided, single submitter. Criteria: ARUP Molecular Germline Variant Investigation Process. Collection method: clinical testing. Allele origin: germline.

Literature cited by the submitters: PubMed 24611717 (cited by Victorian Clinical Genetics Services, Murdoch Childrens Research Institute); PubMed 35707595 (cited by Victorian Clinical Genetics Services, Murdoch Childrens Research Institute).

NM_001009944.3(PKD1):c.4258G>T (p.Glu1420Ter)

Gene: PKD1 (polycystin 1, transient receptor potential channel interacting; minus strand). Cytogenetic location: 16p13.3.
Variant type: single nucleotide variant.
Coding change: c.4258G>T on transcript NM_001009944.3 (MANE Select); coding-DNA position 4258, G replaced by T.
Protein change: p.Glu1420Ter; replaces glutamic acid 1420 with a stop codon.
Molecular consequence: nonsense.
Genome position (GRCh38, 1-based): chr16:2,110,909, C>A on the plus strand (G>T on the coding strand, the complement: PKD1 is on the minus strand). VCF-style: chr16-2110909-C-A. GRCh37 (hg19) VCF-style: chr16-2160910-C-A.
Other names: c.4258G>T, p.Glu1420Ter (NM_000296.4); c.4258G>T (NM_001009944.2); short protein forms E1420*.
Identifiers: ClinVar variation 440112 (VCV000440112.10), dbSNP rs1555456139, ClinGen allele CA394380975.